The following is an entry in ClinVar:

NM_015065.3(EXPH5):c.700C>T (p.Leu234Phe)

Gene: EXPH5 (exophilin 5; minus strand). Cytogenetic location: 11q22.3.
Variant type: single nucleotide variant.
Coding change: c.700C>T on transcript NM_015065.3 (MANE Select); coding-DNA position 700, C replaced by T.
Protein change: p.Leu234Phe; replaces leucine 234 with phenylalanine.
Molecular consequence: missense variant.
Genome position (GRCh38, 1-based): chr11:108,514,807, G>A on the plus strand (C>T on the coding strand, the complement: EXPH5 is on the minus strand). VCF-style: chr11-108514807-G-A. GRCh37 (hg19) VCF-style: chr11-108385534-G-A.
Other names: c.472C>T, p.Leu158Phe (NM_001144763.2); c.232C>T, p.Leu78Phe (NM_001144764.2); c.136C>T, p.Leu46Phe (NM_001144765.2); c.679C>T, p.Leu227Phe (NM_001308019.2); short protein forms L234F, L158F, L227F, L46F, L78F.
Identifiers: ClinVar variation 3091270 (VCV003091270.2), dbSNP rs772117559, ClinGen allele CA228440955.
Genomic context (GRCh38, chr11:108,514,807, plus strand): 5'-TACCATGTCTGTTACCACTGGAATAAAAGTGACCGAACTGTGTTCTTGATCCATAGTTGA[G>A]GGGTGTTCTGGTATTCACTGAGCTTGCAGACTGTTCCTGAGCCAATTTGCTATCCAAGTC-3'
Protein context (NP_055880.2, residues 224-244): SASSVNTRTP[Leu234Phe]NYGSRTQFGH

ClinVar aggregate classification (germline): Uncertain significance. Review status: criteria provided, multiple submitters, no conflicts (2 of 4 stars). 2 submissions from 2 submitters: Uncertain significance (2). Last evaluated 2026-01-05.

Conditions:
Inborn genetic diseases. Identifiers: MedGen C0950123, MeSH D030342.

gnomAD v4.1: 24 of 1,588,996 alleles (0.0015%); highest among the groups gnomAD compares: Admixed American, 0.0037%; no homozygotes.

Submissions (2):

Labcorp Genetics (formerly Invitae), Labcorp
Classification: Uncertain significance. Last evaluated: 2026-01-05. Review status: criteria provided, single submitter. Criteria: Invitae Variant Classification Sherloc (09022015). Collection method: clinical testing. Allele origin: germline.
Comment: This sequence change replaces leucine, which is neutral and non-polar, with phenylalanine, which is neutral and non-polar, at codon 234 of the EXPH5 protein (p.Leu234Phe). This variant is present in population databases (no rsID available, gnomAD 0.004%). This variant has not been reported in the literature in individuals affected with EXPH5-related conditions. ClinVar contains an entry for this variant (Variation ID: 3091270). An algorithm developed to predict the effect of missense changes on protein structure and function outputs the following: PolyPhen-2: "Benign". The phenylalanine amino acid residue is found in multiple mammalian species, which suggests that this missense change does not adversely affect protein function. In summary, the available evidence is currently insufficient to determine the role of this variant in disease. Therefore, it has been classified as a Variant of Uncertain Significance.

Ambry Genetics
Classification: Uncertain significance for Inborn genetic diseases. Last evaluated: 2022-04-13. Review status: criteria provided, single submitter. Criteria: Ambry Variant Classification Scheme 2023. Collection method: clinical testing. Allele origin: germline.